The following is an entry in ClinVar:

NM_001190.4(BCAT2):c.1066A>G (p.Asn356Asp)

Gene: BCAT2 (branched chain amino acid transaminase 2; minus strand). Cytogenetic location: 19q13.33.
Variant type: single nucleotide variant.
Coding change: c.1066A>G on transcript NM_001190.4 (MANE Select); coding-DNA position 1066, A replaced by G.
Protein change: p.Asn356Asp; replaces asparagine 356 with aspartic acid.
Molecular consequence: missense variant.
Genome position (GRCh38, 1-based): chr19:48,796,502, T>C on the plus strand (A>G on the coding strand, the complement: BCAT2 is on the minus strand). VCF-style: chr19-48796502-T-C. GRCh37 (hg19) VCF-style: chr19-49299759-T-C.
Other names: c.790A>G, p.Asn264Asp (NM_001164773.2); c.946A>G, p.Asn316Asp (NM_001284325.2); short protein forms N264D, N316D, N356D.
Identifiers: ClinVar variation 3716724 (VCV003716724.2).
Genomic context (GRCh38, chr19:48,796,502, plus strand): 5'-GCTCCTTCTGGAAGCGGAGGATCAGCTCAGGCCCATTTTCCATGGTGGGAATGTGGAGGT[T>C]CTGGGACAGAAGGTGCGGTGAGGACCAAGCCCCTCCCCTCCTTCCCTCCCACCCACAATG-3'
Protein context (NP_001181.2, residues 346-366): PVHRILYKDR[Asn356Asp]LHIPTMENGP

ClinVar aggregate classification (germline): Uncertain significance (1 of 4 stars; one submission).

Submission:

Labcorp Genetics (formerly Invitae), Labcorp
Classification: Uncertain significance. Last evaluated: 2024-09-06. Review status: criteria provided, single submitter. Criteria: Invitae Variant Classification Sherloc (09022015). Collection method: clinical testing. Allele origin: germline.
Comment: This sequence change replaces asparagine, which is neutral and polar, with aspartic acid, which is acidic and polar, at codon 356 of the BCAT2 protein (p.Asn356Asp). This variant is not present in population databases (gnomAD no frequency). This variant has not been reported in the literature in individuals affected with BCAT2-related conditions. An algorithm developed to predict the effect of missense changes on protein structure and function (PolyPhen-2) suggests that this variant is likely to be tolerated. In summary, the available evidence is currently insufficient to determine the role of this variant in disease. Therefore, it has been classified as a Variant of Uncertain Significance.